The following is an entry in ClinVar:

ClinVar aggregate classification (germline): Likely benign. Review status: criteria provided, multiple submitters, no conflicts (2 of 4 stars). 2 submissions from 2 submitters: Likely benign (2). Last evaluated 2025-03-05.

Conditions:
BMPR1B-related disorder. Also called: BMPR1B-related condition.
Acromesomelic dysplasia 3 (AMD3). Also called: Acromesomelic dysplasia, Demirhan type; CHONDRODYSPLASIA, ACROMESOMELIC, WITH OR WITHOUT GENITAL ANOMALIES. Identifiers: MedGen C4225404, MONDO:0012274, OMIM 609441.
Type A2 brachydactyly (BDA2). Also called: Brachymesophalangy type 2; BRACHYMESOPHALANGY II; MOHR-WRIEDT TYPE BRACHYDACTYLY. Identifiers: Orphanet 93396, MedGen C1832702, MONDO:0007216, OMIM 112600, HP:0009372.

gnomAD v4.1: 3 of 1,613,852 alleles (0.00019%); highest among the groups gnomAD compares: Admixed American, 0.0017%; no homozygotes.

Submissions (2):

Labcorp Genetics (formerly Invitae), Labcorp
Classification: Likely benign for Type A2 brachydactyly; Acromesomelic dysplasia 3. Last evaluated: 2025-03-05. Review status: criteria provided, single submitter. Criteria: Invitae Variant Classification Sherloc (09022015). Collection method: clinical testing. Allele origin: germline.

PreventionGenetics, part of Exact Sciences
Classification: Likely benign for BMPR1B-related condition. Last evaluated: 2024-12-10. Review status: criteria provided, single submitter. Criteria: ACMG Guidelines, 2015. Collection method: clinical testing. Allele origin: germline.
Comment: This variant is classified as likely benign based on ACMG/AMP sequence variant interpretation guidelines (Richards et al. 2015 PMID: 25741868, with internal and published modifications).

NM_001203.3(BMPR1B):c.561A>G (p.Gly187=)

Gene: BMPR1B (bone morphogenetic protein receptor type 1B; plus strand). Cytogenetic location: 4q22.3.
Variant type: single nucleotide variant.
Coding change: c.561A>G on transcript NM_001203.3 (MANE Select); coding-DNA position 561, A replaced by G.
Protein change: p.Gly187=; no amino-acid change (glycine 187 retained).
Molecular consequence: synonymous variant.
Genome position (GRCh38, 1-based): chr4:95,125,097, A>G. VCF-style: chr4-95125097-A-G. GRCh37 (hg19) VCF-style: chr4-96046248-A-G.
Other names: c.561A>G (NM_001203.2); c.561A>G, p.Gly187= (NM_001256792.2, NM_001256794.1); c.651A>G, p.Gly217= (NM_001256793.2).
Identifiers: ClinVar variation 4787671 (VCV004787671.2).